The following is an entry in ClinVar:

NM_001366385.1(CARD14):c.2666A>G (p.His889Arg)

Genes: SGSH (N-sulfoglucosamine sulfohydrolase; minus strand), CARD14 (caspase recruitment domain family member 14; plus strand), LOC126862662 (MED14-independent group 3 enhancer GRCh37_chr17:78178385-78179584; plus strand). Cytogenetic location: 17q25.3.
Variant type: single nucleotide variant.
Coding change: c.2666A>G on transcript NM_001366385.1 (MANE Select); coding-DNA position 2666, A replaced by G.
Protein change: p.His889Arg; replaces histidine 889 with arginine.
Molecular consequence: missense variant. On other transcripts: non-coding transcript variant (1).
Genome position (GRCh38, 1-based): chr17:80,205,627, A>G. VCF-style: chr17-80205627-A-G. GRCh37 (hg19) VCF-style: chr17-78179426-A-G.
Other names: c.2666A>G, p.His889Arg (NM_024110.4); short protein forms H889R.
Identifiers: ClinVar variation 2928952 (VCV002928952.3), dbSNP rs769572972, ClinGen allele CA8817407.
Genomic context (GRCh38, chr17:80,205,627, plus strand): 5'-AGAGAGGGGACATCATCCAGGAGGGAGAGGTGTCCGGGGGCCGCTGCTGGGTGACCCGCC[A>G]TGCTGTGGAGTCCCTCATGGAAAAGGTGAGGTCAAGGGCGGGGTGGGCAGGGGAGCTGTC-3'
Protein context (NP_001353314.1, residues 879-899): VSGGRCWVTR[His889Arg]AVESLMEKNT

ClinVar aggregate classification (germline): Uncertain significance (1 of 4 stars; one submission).

Conditions:
Pityriasis rubra pilaris (PRP). Also called: Pityriasis rubra pilaris--familial type. Identifiers: Orphanet 2897, MedGen C0032027, MONDO:0100017, OMIM 173200, MONDO:0008251.
Psoriasis 2. Identifiers: MedGen C1864497, MONDO:0011269, OMIM 602723.

Allele frequency attached by ClinVar (database versions not stated): gnomAD exomes 0.00002; ExAC 0.00008.
gnomAD v4.1: 20 of 1,342,138 alleles (0.0015%); highest among the groups gnomAD compares: South Asian, 0.024%; no homozygotes.

Submission:

Labcorp Genetics (formerly Invitae), Labcorp
Classification: Uncertain significance for Pityriasis rubra pilaris; Psoriasis 2. Last evaluated: 2023-08-04. Review status: criteria provided, single submitter. Criteria: Invitae Variant Classification Sherloc (09022015). Collection method: clinical testing. Allele origin: germline.
Comment: This variant is present in population databases (rs769572972, gnomAD 0.02%). This sequence change replaces histidine, which is basic and polar, with arginine, which is basic and polar, at codon 889 of the CARD14 protein (p.His889Arg). This variant has not been reported in the literature in individuals affected with CARD14-related conditions. Advanced modeling of protein sequence and biophysical properties (such as structural, functional, and spatial information, amino acid conservation, physicochemical variation, residue mobility, and thermodynamic stability) performed at Invitae indicates that this missense variant is not expected to disrupt CARD14 protein function. In summary, the available evidence is currently insufficient to determine the role of this variant in disease. Therefore, it has been classified as a Variant of Uncertain Significance.